The following is an entry in ClinVar:

NM_001104631.2(PDE4D):c.794A>C (p.Lys265Thr)

Gene: PDE4D (phosphodiesterase 4D; minus strand). Cytogenetic location: 5q11.2.
Variant type: single nucleotide variant.
Coding change: c.794A>C on transcript NM_001104631.2 (MANE Select); coding-DNA position 794, A replaced by C.
Protein change: p.Lys265Thr; replaces lysine 265 with threonine.
Molecular consequence: missense variant. On other transcripts: 5 prime UTR variant (1).
Genome position (GRCh38, 1-based): chr5:59,180,609, T>G on the plus strand (A>C on the coding strand, the complement: PDE4D is on the minus strand). VCF-style: chr5-59180609-T-G. GRCh37 (hg19) VCF-style: chr5-58476435-T-G.
Other names: c.611A>C, p.Lys204Thr (NM_001364599.1, NM_001364600.2, NM_001165899.2); c.602A>C, p.Lys201Thr (NM_001197218.2, NM_001364602.2); c.428A>C, p.Lys143Thr (NM_001197219.2); c.404A>C, p.Lys135Thr (NM_001197220.2); c.581A>C, p.Lys194Thr (NM_001349241.2); c.-157A>C (NM_001364603.1); c.26A>C, p.Lys9Thr (NM_001364604.1, NM_001349243.2); c.386A>C, p.Lys129Thr (NM_006203.5); and 1 more; short protein forms K155T, K204T, K9T, K201T, K129T, K135T, K143T, K265T.
Identifiers: ClinVar variation 904303 (VCV000904303.11), dbSNP rs780848487, ClinGen allele CA3276321.

ClinVar aggregate classification (germline): Uncertain significance. Review status: criteria provided, multiple submitters, no conflicts (2 of 4 stars). 3 submissions from 3 submitters: Uncertain significance (3). Last evaluated 2025-12-17.

Conditions:
Inborn genetic diseases. Identifiers: MedGen C0950123, MeSH D030342.
Acrodysostosis 2 with or without hormone resistance. Also called: ACRODYSOSTOSIS 2 WITH HORMONE RESISTANCE; ACRODYSOSTOSIS 2 WITHOUT HORMONE RESISTANCE. Identifiers: Orphanet 280651, MedGen C3553250, MONDO:0013822, OMIM 614613.

Allele frequency attached by ClinVar (database versions not stated): ExAC 0.00001; gnomAD 0.00001; gnomAD exomes 0.00001 and 0.00002; TOPMed 0.00003.
gnomAD v4.1: 27 of 1,613,222 alleles (0.0017%); highest among the groups gnomAD compares: Non-Finnish European, 0.002%; no homozygotes.

Submissions (3):

Labcorp Genetics (formerly Invitae), Labcorp
Classification: Uncertain significance. Last evaluated: 2025-12-17. Review status: criteria provided, single submitter. Criteria: Invitae Variant Classification Sherloc (09022015). Collection method: clinical testing. Allele origin: germline.
Comment: This sequence change replaces lysine, which is basic and polar, with threonine, which is neutral and polar, at codon 265 of the PDE4D protein (p.Lys265Thr). This variant is present in population databases (rs780848487, gnomAD 0.002%). This variant has not been reported in the literature in individuals affected with PDE4D-related conditions. ClinVar contains an entry for this variant (Variation ID: 904303). Invitae Evidence Modeling of protein sequence and biophysical properties (such as structural, functional, and spatial information, amino acid conservation, physicochemical variation, residue mobility, and thermodynamic stability) indicates that this missense variant is not expected to disrupt PDE4D protein function with a negative predictive value of 80%. In summary, the available evidence is currently insufficient to determine the role of this variant in disease. Therefore, it has been classified as a Variant of Uncertain Significance.

Ambry Genetics
Classification: Uncertain significance for Inborn genetic diseases. Last evaluated: 2024-12-05. Review status: criteria provided, single submitter. Criteria: Ambry Variant Classification Scheme 2023. Collection method: clinical testing. Allele origin: germline.

Illumina Laboratory Services, Illumina
Classification: Uncertain significance for Acrodysostosis 2 with or without hormone resistance. Last evaluated: 2018-01-12. Review status: criteria provided, single submitter. Criteria: ICSL Variant Classification Criteria 13 December 2019. Collection method: clinical testing. Allele origin: germline.